The following is an entry in ClinVar:

NM_004369.4(COL6A3):c.4688T>C (p.Ile1563Thr)

Gene: COL6A3 (collagen type VI alpha 3 chain; minus strand). Cytogenetic location: 2q37.3.
Variant type: single nucleotide variant.
Coding change: c.4688T>C on transcript NM_004369.4 (MANE Select); coding-DNA position 4688, T replaced by C.
Protein change: p.Ile1563Thr; replaces isoleucine 1563 with threonine.
Molecular consequence: missense variant.
Genome position (GRCh38, 1-based): chr2:237,368,775, A>G on the plus strand (T>C on the coding strand, the complement: COL6A3 is on the minus strand). VCF-style: chr2-237368775-A-G. GRCh37 (hg19) VCF-style: chr2-238277418-A-G.
Other names: c.2867T>C, p.Ile956Thr (NM_057166.5); c.4070T>C, p.Ile1357Thr (NM_057167.4); short protein forms I1563T, I956T, I1357T.
Identifiers: ClinVar variation 1990756 (VCV001990756.4), dbSNP rs780804767, ClinGen allele CA351192524.

ClinVar aggregate classification (germline): Uncertain significance (1 of 4 stars; one submission).

Conditions:
Bethlem myopathy 1A. Also called: MYOPATHY, BENIGN CONGENITAL, WITH CONTRACTURES; Bethlem myopathy 1; Bethlem Muscular Dystrophy. Identifiers: Orphanet 610, MedGen CN029274, MONDO:0024530, OMIM 158810.

Submission:

Labcorp Genetics (formerly Invitae), Labcorp
Classification: Uncertain significance for Bethlem myopathy 1A. Last evaluated: 2024-04-08. Review status: criteria provided, single submitter. Criteria: Invitae Variant Classification Sherloc (09022015). Collection method: clinical testing. Allele origin: germline.
Comment: This sequence change replaces isoleucine, which is neutral and non-polar, with threonine, which is neutral and polar, at codon 1563 of the COL6A3 protein (p.Ile1563Thr). This variant is not present in population databases (gnomAD no frequency). This variant has not been reported in the literature in individuals affected with COL6A3-related conditions. ClinVar contains an entry for this variant (Variation ID: 1990756). Advanced modeling of protein sequence and biophysical properties (such as structural, functional, and spatial information, amino acid conservation, physicochemical variation, residue mobility, and thermodynamic stability) performed at Invitae indicates that this missense variant is not expected to disrupt COL6A3 protein function with a negative predictive value of 80%. In summary, the available evidence is currently insufficient to determine the role of this variant in disease. Therefore, it has been classified as a Variant of Uncertain Significance.